The following is an entry in ClinVar:

ClinVar aggregate classification (germline): Benign/Likely benign. Review status: criteria provided, multiple submitters, no conflicts (2 of 4 stars). 2 submissions from 2 submitters: Benign (1); Likely benign (1). Last evaluated 2023-02-01.

Conditions:
Pseudohypoaldosteronism type 2E (PHA2E). Also called: Pseudohypoaldosteronism Type IIE. Identifiers: Orphanet 300530, Orphanet 757, MedGen C3469606, MONDO:0013782, OMIM 614496.

Allele frequency attached by ClinVar (database versions not stated): gnomAD exomes 0.00139; 1000 Genomes Project 0.00339; TOPMed 0.00359; 1000 Genomes Project 30x 0.00390.
gnomAD v4.1: 855 of 401,188 alleles (0.21%); highest among the groups gnomAD compares: African/African-American, 0.89%; 9 homozygotes.

Submissions (2):

CeGaT Center for Human Genetics Tuebingen
Classification: Likely benign. Last evaluated: 2023-02-01. Review status: criteria provided, single submitter. Criteria: CeGaT Center For Human Genetics Tuebingen Variant Classification Criteria Version 2. Collection method: clinical testing. Allele origin: germline. Affected: yes. Observed: 1 variant allele.
Comment: CUL3: BS2

Illumina Laboratory Services, Illumina
Classification: Benign for Pseudohypoaldosteronism type 2E. Last evaluated: 2018-01-12. Review status: criteria provided, single submitter. Criteria: ICSL Variant Classification Criteria 13 December 2019. Collection method: clinical testing. Allele origin: germline.
Comment: This variant was observed in the ICSL laboratory as part of a predisposition screen in an ostensibly healthy population. It had not been previously curated by ICSL or reported in the Human Gene Mutation Database (HGMD: prior to June 1st, 2018), and was therefore a candidate for classification through an automated scoring system. Utilizing variant allele frequency, disease prevalence and penetrance estimates, and inheritance mode, an automated score was calculated to assess if this variant is too frequent to cause the disease. Based on the score and internal cut-off values, a variant classified as benign is not then subjected to further curation. The score for this variant resulted in a classification of benign for this disease.

NM_003590.5(CUL3):c.-289G>A

Gene: CUL3 (cullin 3; minus strand). Cytogenetic location: 2q36.2.
Variant type: single nucleotide variant.
Coding change: c.-289G>A on transcript NM_003590.5 (MANE Select); 289 bases upstream of the start codon, G replaced by A.
Molecular consequence: 5 prime UTR variant.
Genome position (GRCh38, 1-based): chr2:224,585,298, C>T on the plus strand (G>A on the coding strand, the complement: CUL3 is on the minus strand). VCF-style: chr2-224585298-C-T. GRCh37 (hg19) VCF-style: chr2-225450015-C-T.
Other names: c.-289G>A (NM_001257197.2).
Identifiers: ClinVar variation 898343 (VCV000898343.28), dbSNP rs538985622, ClinGen allele CA66591752.